The following is an entry in ClinVar:

ClinVar aggregate classification (germline): Pathogenic (1 of 4 stars; one submission).

Conditions:
Charcot-Marie-Tooth disease recessive intermediate C. Also called: CHARCOT-MARIE-TOOTH NEUROPATHY, RECESSIVE INTERMEDIATE C. Identifiers: Orphanet 369867, MedGen C3809309, MONDO:0014154, OMIM 615376.
Neuronopathy, distal hereditary motor, autosomal recessive 4. Also called: Autosomal recessive lower motor neuron disease with childhood onset; NEUROPATHY, DISTAL HEREDITARY MOTOR, AUTOSOMAL RECESSIVE 4. Identifiers: Orphanet 206580, MedGen C1970211, MONDO:0012608, OMIM 611067.

Submission:

Labcorp Genetics (formerly Invitae), Labcorp
Classification: Pathogenic for Neuronopathy, distal hereditary motor, autosomal recessive 4; Charcot-Marie-Tooth disease recessive intermediate C. Last evaluated: 2020-01-27. Review status: criteria provided, single submitter. Criteria: Invitae Variant Classification Sherloc (09022015). Collection method: clinical testing. Allele origin: germline.
Comment: For these reasons, this variant has been classified as Pathogenic. Loss-of-function variants in PLEKHG5 are known to be pathogenic (PMID: 17564964, 23777631). This variant has not been reported in the literature in individuals with PLEKHG5-related conditions. This variant is not present in population databases (ExAC no frequency). This sequence change creates a premature translational stop signal (p.Thr260Lysfs*37) in the PLEKHG5 gene. It is expected to result in an absent or disrupted protein product.

Literature cited by the submitters: PubMed 17564964; PubMed 23777631.

NM_020631.6(PLEKHG5):c.779_780del (p.Thr260fs)

Gene: PLEKHG5 (pleckstrin homology and RhoGEF domain containing G5; minus strand). Cytogenetic location: 1p36.31.
Variant type: Deletion.
Coding change: c.779_780del on transcript NM_020631.6 (MANE Select); coding-DNA positions 779 to 780, 2 bases deleted (CC; older notation c.779_780delCC).
Protein change: p.Thr260fs; shifts the reading frame from threonine 260.
Molecular consequence: frameshift variant.
Genome position (GRCh38, 1-based): chr1:6,473,266-6,473,267, GG deleted on the plus strand (CC on the coding strand, the reverse complement: PLEKHG5 is on the minus strand). VCF-style (leftmost placement, unchanged base first): chr1-6473265-TGG-T. GRCh37 (hg19) VCF-style: chr1-6533325-TGG-T.
Other names: c.890_891del, p.Thr297fs (NM_001042663.3, NM_001265592.2); c.779_780delCC, p.Thr260Lysfs (NM_001042664.2, NM_001042665.2, NM_001265594.3); c.986_987delCC, p.Thr329Lysfs (NM_001265593.2); c.779_780del, p.Thr260fs (NM_198681.4); short protein forms T260fs, T329fs, T297fs.
Identifiers: ClinVar variation 845778 (VCV000845778.8), dbSNP rs1644651573, ClinGen allele CA916080226.